The following is an entry in ClinVar:

NM_001042545.2(LTBP4):c.412C>A (p.Pro138Thr)

Gene: LTBP4 (latent transforming growth factor beta binding protein 4; plus strand). Cytogenetic location: 19q13.2.
Variant type: single nucleotide variant.
Coding change: c.412C>A on transcript NM_001042545.2 (MANE Select); coding-DNA position 412, C replaced by A.
Protein change: p.Pro138Thr; replaces proline 138 with threonine.
Molecular consequence: missense variant.
Genome position (GRCh38, 1-based): chr19:40,605,196, C>A. VCF-style: chr19-40605196-C-A. GRCh37 (hg19) VCF-style: chr19-41111102-C-A.
Other names: c.613C>A, p.Pro205Thr (NM_001042544.1); c.502C>A, p.Pro168Thr (NM_003573.2); short protein forms P138T, P168T, P205T.
Identifiers: ClinVar variation 1309444 (VCV001309444.2), dbSNP rs2146020525, ClinGen allele CA405932983.

ClinVar aggregate classification (germline): Uncertain significance (1 of 4 stars; one submission).

Submission:

GeneDx
Classification: Uncertain significance. Last evaluated: 2019-10-15. Review status: criteria provided, single submitter. Criteria: GeneDx Variant Classification Process June 2021. Collection method: clinical testing. Allele origin: germline. Affected: yes.
Comment: Not observed in large population cohorts (Lek et al., 2016); In silico analysis, which includes protein predictors and evolutionary conservation, supports a deleterious effect; Has not been previously published as pathogenic or benign to our knowledge